The following is an entry in ClinVar:

NM_002948.5(RPL15):c.383A>G (p.Lys128Arg)

Genes: NKIRAS1 (NFKB inhibitor interacting Ras like 1; minus strand), RPL15 (ribosomal protein L15; plus strand). Cytogenetic location: 3p24.2.
Variant type: single nucleotide variant.
Coding change: c.383A>G on transcript NM_002948.5 (MANE Select); coding-DNA position 383, A replaced by G.
Protein change: p.Lys128Arg; replaces lysine 128 with arginine.
Molecular consequence: missense variant. On other transcripts: intron variant (2).
Genome position (GRCh38, 1-based): chr3:23,919,269, A>G. VCF-style: chr3-23919269-A-G. GRCh37 (hg19) VCF-style: chr3-23960760-A-G.
Other names: c.383A>G, p.Lys128Arg (NM_001253379.2, NM_001253380.2, NM_001253382.2 and 1 more transcripts); c.-139-7819T>C (NM_001377380.1); c.360+23A>G (NM_001253384.2); short protein forms K128R.
Identifiers: ClinVar variation 1430409 (VCV001430409.7), dbSNP rs774230761, ClinGen allele CA2286517.

ClinVar aggregate classification (germline): Uncertain significance. Review status: criteria provided, multiple submitters, no conflicts (2 of 4 stars). 2 submissions from 2 submitters: Uncertain significance (2). Last evaluated 2025-11-18.

Allele frequency attached by ClinVar (database versions not stated): ExAC 0.00003; TOPMed 0.00001; gnomAD exomes 0.00004.
gnomAD v4.1: 20 of 1,612,452 alleles (0.0012%); highest among the groups gnomAD compares: Middle Eastern, 0.083%; no homozygotes.

Submissions (2):

Labcorp Genetics (formerly Invitae), Labcorp
Classification: Uncertain significance. Last evaluated: 2025-11-18. Review status: criteria provided, single submitter. Criteria: Invitae Variant Classification Sherloc (09022015). Collection method: clinical testing. Allele origin: germline.
Comment: This sequence change replaces lysine, which is basic and polar, with arginine, which is basic and polar, at codon 128 of the RPL15 protein (p.Lys128Arg). This variant is present in population databases (rs774230761, gnomAD 0.01%). This variant has not been reported in the literature in individuals affected with RPL15-related conditions. ClinVar contains an entry for this variant (Variation ID: 1430409). An algorithm developed to predict the effect of missense changes on protein structure and function (PolyPhen-2) suggests that this variant is likely to be disruptive. In summary, the available evidence is currently insufficient to determine the role of this variant in disease. Therefore, it has been classified as a Variant of Uncertain Significance.

Ambry Genetics
Classification: Uncertain significance. Last evaluated: 2024-02-27. Review status: criteria provided, single submitter. Criteria: Ambry Variant Classification Scheme 2023. Collection method: clinical testing. Allele origin: germline.